The following is an entry in ClinVar:

NM_000053.4(ATP7B):c.3607G>C (p.Ala1203Pro)

Gene: ATP7B (ATPase copper transporting beta; minus strand). Cytogenetic location: 13q14.3.
Variant type: single nucleotide variant.
Coding change: c.3607G>C on transcript NM_000053.4 (MANE Select); coding-DNA position 3607, G replaced by C.
Protein change: p.Ala1203Pro; replaces alanine 1203 with proline.
Molecular consequence: missense variant.
Genome position (GRCh38, 1-based): chr13:51,939,143, C>G on the plus strand (G>C on the coding strand, the complement: ATP7B is on the minus strand). VCF-style: chr13-51939143-C-G. GRCh37 (hg19) VCF-style: chr13-52513279-C-G.
Other names: c.2986G>C, p.Ala996Pro (NM_001005918.3); c.3274G>C, p.Ala1092Pro (NM_001243182.2); c.3373G>C, p.Ala1125Pro (NM_001330578.2, NM_001406527.1, NM_001406528.1); c.3355G>C, p.Ala1119Pro (NM_001330579.2, NM_001406531.1, NM_001406532.1); c.3607G>C, p.Ala1203Pro (NM_001406511.1, NM_001406512.1, NM_001406526.1); c.3601G>C, p.Ala1201Pro (NM_001406513.1); c.3574G>C, p.Ala1192Pro (NM_001406514.1); c.3553G>C, p.Ala1185Pro (NM_001406515.1, NM_001406516.1); and 20 more; short protein forms A1009P, A1039P, A1041P, A1054P, A1060P, A1077P, A1090P, A1092P.
Identifiers: ClinVar variation 4756779 (VCV004756779.1).

ClinVar aggregate classification (germline): Uncertain significance (1 of 4 stars; one submission).

Conditions:
Wilson disease (WND). Also called: Wilson's disease. Identifiers: Orphanet 905, MedGen C0019202, MONDO:0010200, OMIM 277900. Disease mechanism: loss of function.

gnomAD v4.1: 7 of 1,614,232 alleles (0.00043%); highest among the groups gnomAD compares: Non-Finnish European, 0.00059%; no homozygotes.

Submission:

Color Diagnostics, LLC DBA Color Health
Classification: Uncertain significance for Wilson disease. Last evaluated: 2025-06-03. Review status: criteria provided, single submitter. Criteria: ACMG Guidelines, 2015. Collection method: clinical testing. Allele origin: germline.
Comment: This missense variant replaces alanine with proline at codon 1203 of the ATP7B protein. Computational prediction suggests that this variant may have deleterious impact on protein structure and function. To our knowledge, functional studies have not been reported for this variant. This variant has not been reported in individuals affected with ATP7B-related disorders in the literature. This variant has not been identified in the general population by the Genome Aggregation Database (gnomAD). The available evidence is insufficient to determine the role of this variant in disease conclusively. Therefore, this variant is classified as a Variant of Uncertain Significance.